The following is an entry in ClinVar:

NM_018136.5(ASPM):c.7974C>G (p.Tyr2658Ter)

Gene: ASPM (assembly factor for spindle microtubules; minus strand). Cytogenetic location: 1q31.3.
Variant type: single nucleotide variant.
Coding change: c.7974C>G on transcript NM_018136.5 (MANE Select); coding-DNA position 7974, C replaced by G.
Protein change: p.Tyr2658Ter; replaces tyrosine 2658 with a stop codon.
Molecular consequence: nonsense. On other transcripts: intron variant (1).
Genome position (GRCh38, 1-based): chr1:197,101,277, G>C on the plus strand (C>G on the coding strand, the complement: ASPM is on the minus strand). VCF-style: chr1-197101277-G-C. GRCh37 (hg19) VCF-style: chr1-197070407-G-C.
Other names: c.4066-5113C>G (NM_001206846.2); short protein forms Y2658*.
Identifiers: ClinVar variation 4724355 (VCV004724355.1).

ClinVar aggregate classification (germline): Pathogenic (1 of 4 stars; one submission).

gnomAD v4.1: 1 of 1,611,810 alleles (0.000062%); highest among the groups gnomAD compares: South Asian, 0.0011%; no homozygotes.

Submission:

Labcorp Genetics (formerly Invitae), Labcorp
Classification: Pathogenic. Last evaluated: 2025-07-30. Review status: criteria provided, single submitter. Criteria: Invitae Variant Classification Sherloc (09022015). Collection method: clinical testing. Allele origin: germline.
Comment: This sequence change creates a premature translational stop signal (p.Tyr2658*) in the ASPM gene. It is expected to result in an absent or disrupted protein product. Loss-of-function variants in ASPM are known to be pathogenic (PMID: 19028728, 23611254). This variant is not present in population databases (gnomAD no frequency). This variant has not been reported in the literature in individuals affected with ASPM-related conditions. For these reasons, this variant has been classified as Pathogenic.

Literature cited by the submitters: PubMed 19028728; PubMed 23611254.